The following is an entry in ClinVar:

NM_174936.4(PCSK9):c.1511G>A (p.Gly504Glu)

Gene: PCSK9 (proprotein convertase subtilisin/kexin type 9; plus strand). Cytogenetic location: 1p32.3.
Variant type: single nucleotide variant.
Coding change: c.1511G>A on transcript NM_174936.4 (MANE Select); coding-DNA position 1511, G replaced by A.
Protein change: p.Gly504Glu; replaces glycine 504 with glutamic acid.
Molecular consequence: missense variant.
Genome position (GRCh38, 1-based): chr1:55,059,493, G>A. VCF-style: chr1-55059493-G-A. GRCh37 (hg19) VCF-style: chr1-55525166-G-A.
Other names: c.1514G>A, p.Gly505Glu (NM_001407242.1); c.1454G>A, p.Gly485Glu (NM_001407243.1); c.1337G>A, p.Gly446Glu (NM_001407244.1); c.1319G>A, p.Gly440Glu (NM_001407245.1); c.1136G>A, p.Gly379Glu (NM_001407246.1); c.1634G>A, p.Gly545Glu (NM_001407240.1); c.1553G>A, p.Gly518Glu (NM_001407241.1); short protein forms G504E, G379E, G446E, G485E, G440E, G505E, G518E, G545E.
Identifiers: ClinVar variation 919964 (VCV000919964.7), dbSNP rs1427178819, ClinGen allele CA340479580.
Genomic context (GRCh38, chr1:55,059,493, plus strand): 5'-TGTTTTCAAAGCCCATTCTAAAGCAGATTCCCATTTCCGTCTTTGACTCTAAGGCCCAAG[G>A]GGGCAAGCTGGTCTGCCGGGCCCACAACGCTTTTGGGGGTGAGGGTGTCTACGCCATTGC-3'
Protein context (NP_777596.2, residues 494-514): KRRGERMEAQ[Gly504Glu]GKLVCRAHNA

ClinVar aggregate classification (germline): Uncertain significance. Review status: criteria provided, multiple submitters, no conflicts (2 of 4 stars). 2 submissions from 2 submitters: Uncertain significance (2). Last evaluated 2024-03-06.

Conditions:
Familial hypercholesterolemia. Also called: Familial hypercholesterolemias; Familial hypercholesterolaemia. Identifiers: MedGen C0020445, MONDO:0005439.
Hypercholesterolemia, autosomal dominant, 3 (FHCL3). Also called: Familial hypercholesterolemia 3; Familial Hypercholesterolemia, Autosomal Dominant, 3; PCSK9-Related Familial Hypercholesterolemia, Autosomal Dominant. Identifiers: MedGen C1863551, MONDO:0011369, OMIM 603776.

Allele frequency attached by ClinVar (database versions not stated): TOPMed 0.00001.

Submissions (2):

Color Diagnostics, LLC DBA Color Health
Classification: Uncertain significance for Familial hypercholesterolemia. Last evaluated: 2024-03-06. Review status: criteria provided, single submitter. Criteria: ACMG Guidelines, 2015. Collection method: clinical testing. Allele origin: germline.
Comment: This missense variant replaces glycine with glutamic acid at codon 504 of the PCSK9 protein. Computational prediction suggests that this variant may not impact protein structure and function (internally defined REVEL score threshold <= 0.5, PMID: 27666373). To our knowledge, functional studies have not been reported for this variant. This variant has not been reported in individuals affected with familial hypercholesterolemia in the literature. This variant has not been identified in the general population by the Genome Aggregation Database (gnomAD). The available evidence is insufficient to determine the role of this variant in disease conclusively. Therefore, this variant is classified as a Variant of Uncertain Significance.

All of Us Research Program, National Institutes of Health
Classification: Uncertain significance for Hypercholesterolemia, autosomal dominant, 3. Last evaluated: 2023-12-01. Review status: criteria provided, single submitter. Criteria: ACMG Guidelines, 2015. Collection method: clinical testing. Allele origin: germline. Inheritance: Autosomal dominant inheritance. Observed: 2 variant alleles, 2 heterozygotes.
Comment: Variant of Uncertain Significance due to insufficient evidence: This missense variant replaces glycine with glutamic acid at codon 504 of the PCSK9 protein. Computational prediction tools and conservation analyses are inconclusive regarding the impact of this variant on the protein function. Computational splicing tools suggest that this variant may not impact RNA splicing. To our knowledge, functional assays have not been performed for this variant nor has this variant been reported in individuals affected with familial hypercholesterolemia in the literature. This variant is rare in the general population and has been identified in 0/277264 chromosomes by the Genome Aggregation Database (gnomAD). Available evidence is insufficient to determine the role of this variant in disease conclusively.

This study involves interpretation of variants in research participants for the purpose of population health screening. Participant phenotype was not available at the time of variant classification. Additional details can be found in publication PMID: 35346344, PMCID: PMC8962531